The following is an entry in ClinVar:

ClinVar aggregate classification (germline): Pathogenic/Likely pathogenic. Review status: criteria provided, multiple submitters, no conflicts (2 of 4 stars). 4 submissions from 4 submitters: Pathogenic (2); Likely pathogenic (2). Last evaluated 2025-07-09.

Conditions:
Cataract 3 multiple types. Also called: CATARACT 3, MULTIPLE TYPES, WITH OR WITHOUT MICROCORNEA. Identifiers: Orphanet 1377, MedGen C1832175, MONDO:0011104, OMIM 601547.

Submissions (4):

Labcorp Genetics (formerly Invitae), Labcorp
Classification: Pathogenic for Cataract 3 multiple types. Last evaluated: 2025-07-09. Review status: criteria provided, single submitter. Criteria: Invitae Variant Classification Sherloc (09022015). Collection method: clinical testing. Allele origin: germline.
Comment: This sequence change replaces glycine, which is neutral and non-polar, with arginine, which is basic and polar, at codon 119 of the CRYBB2 protein (p.Gly119Arg). This variant is not present in population databases (gnomAD no frequency). This missense change has been observed in individual(s) with congenital cataracts (PMID: 26694549; internal data). In at least one individual the variant was observed to be de novo. ClinVar contains an entry for this variant (Variation ID: 242473). An algorithm developed to predict the effect of missense changes on protein structure and function (PolyPhen-2) suggests that this variant is likely to be disruptive. For these reasons, this variant has been classified as Pathogenic.

GeneDx
Classification: Pathogenic. Last evaluated: 2025-07-08. Review status: criteria provided, single submitter. Criteria: GeneDx Variant Classification Process June 2021. Collection method: clinical testing. Allele origin: germline. Affected: yes.
Comment: Not observed at significant frequency in large population cohorts (gnomAD); In silico analysis supports that this missense variant has a deleterious effect on protein structure/function; This variant is associated with the following publications: (PMID: 32830442, 33494148, 30364188, 31523120, 26694549, 37592116)

Molecular Diagnostics Laboratory, M Health Fairview: University of Minnesota
Classification: Likely pathogenic for Cataract 3 multiple types. Last evaluated: 2020-11-23. Review status: criteria provided, single submitter. Criteria: ACMG Guidelines, 2015. Collection method: clinical testing. Allele origin: germline. Affected: yes.

Juno Genomics, Hangzhou Juno Genomics, Inc
Classification: Likely pathogenic for Cataract 3 multiple types. Review status: criteria provided, single submitter. Criteria: ACMG Guidelines, 2015. Collection method: clinical testing. Allele origin: germline. Affected: yes.
Comment: Absent from controls (or at extremely low frequency if recessive) in Genome Aggregation Database, Exome Sequencing Project, 1000 Genomes Project, or Exome Aggregation Consortium.;Multiple lines of computational evidence support a deleterious effect on the gene or gene product (conservation, evolutionary, splicing impact, etc).;The prevalence of the variant in affected individuals is significantly increased compared to the prevalence in controls.;Patient's phenotype or family history is highly specific for a disease with a single genetic etiology.;Assumed de novo, but without confirmation of paternity and maternity.;Co-segregation with disease in multiple affected family members in a gene definitively known to cause the disease.

Literature cited by the submitters: PubMed 26694549 (cited by Labcorp Genetics (formerly Invitae), Labcorp and Molecular Diagnostics Laboratory, M Health Fairview: University of Minnesota).

NM_000496.3(CRYBB2):c.355G>A (p.Gly119Arg)

Gene: CRYBB2 (crystallin beta B2; plus strand). Cytogenetic location: 22q11.23.
Variant type: single nucleotide variant.
Coding change: c.355G>A on transcript NM_000496.3 (MANE Select); coding-DNA position 355, G replaced by A.
Protein change: p.Gly119Arg; replaces glycine 119 with arginine.
Molecular consequence: missense variant.
Genome position (GRCh38, 1-based): chr22:25,229,484, G>A. VCF-style: chr22-25229484-G-A. GRCh37 (hg19) VCF-style: chr22-25625451-G-A.
Other names: short protein forms G119R.
Identifiers: ClinVar variation 242473 (VCV000242473.11), dbSNP rs864309698, ClinGen allele CA057787.
Genomic context (GRCh38, chr22:25,229,484, plus strand): 5'-CTCTGCCAATAGGACAGCCAAGAGCACAAGATCATCCTCTATGAAAACCCCAACTTCACC[G>A]GGAAGAAGATGGAAATCATAGATGACGATGTACCCAGCTTCCACGCCCATGGCTACCAGG-3'
Protein context (NP_000487.1, residues 109-129): IILYENPNFT[Gly119Arg]KKMEIIDDDV